The following is an entry in ClinVar:

NM_001369268.1(ACAN):c.1046A>G (p.Tyr349Cys)

Gene: ACAN (aggrecan; plus strand). Cytogenetic location: 15q26.1.
Variant type: single nucleotide variant.
Coding change: c.1046A>G on transcript NM_001369268.1 (MANE Select); coding-DNA position 1046, A replaced by G.
Protein change: p.Tyr349Cys; replaces tyrosine 349 with cysteine.
Molecular consequence: missense variant.
Genome position (GRCh38, 1-based): chr15:88,843,643, A>G. VCF-style: chr15-88843643-A-G. GRCh37 (hg19) VCF-style: chr15-89386874-A-G.
Other names: c.1046A>G, p.Tyr349Cys (NM_001135.4, NM_001411096.1, NM_001411097.1 and 1 more transcripts); short protein forms Y349C.
Identifiers: ClinVar variation 2910383 (VCV002910383.3), dbSNP rs79832113, ClinGen allele CA7719436.

ClinVar aggregate classification (germline): Uncertain significance (1 of 4 stars; one submission).

Allele frequency attached by ClinVar (database versions not stated): TOPMed below 0.00001; ExAC 0.00001; gnomAD 0.00002; gnomAD exomes 0.00004; 1000 Genomes Project 30x 0.00016; 1000 Genomes Project 0.00020.
gnomAD v4.1: 53 of 1,575,238 alleles (0.0034%); highest among the groups gnomAD compares: East Asian, 0.12%; no homozygotes.

Submission:

Labcorp Genetics (formerly Invitae), Labcorp
Classification: Uncertain significance. Last evaluated: 2023-11-28. Review status: criteria provided, single submitter. Criteria: Invitae Variant Classification Sherloc (09022015). Collection method: clinical testing. Allele origin: germline.
Comment: This sequence change replaces tyrosine, which is neutral and polar, with cysteine, which is neutral and slightly polar, at codon 349 of the ACAN protein (p.Tyr349Cys). This variant is not present in population databases (gnomAD no frequency). This missense change has been observed in individual(s) with short stature (PMID: 28768959). Advanced modeling of protein sequence and biophysical properties (such as structural, functional, and spatial information, amino acid conservation, physicochemical variation, residue mobility, and thermodynamic stability) performed at Invitae indicates that this missense variant is not expected to disrupt ACAN protein function with a negative predictive value of 80%. In summary, the available evidence is currently insufficient to determine the role of this variant in disease. Therefore, it has been classified as a Variant of Uncertain Significance.

Literature cited by the submitters: PubMed 28768959.